The following is an entry in ClinVar:

NM_000834.5(GRIN2B):c.2172-20_2172-17del

Gene: GRIN2B (glutamate ionotropic receptor NMDA type subunit 2B; minus strand). Cytogenetic location: 12p13.1.
Variant type: Microsatellite.
Coding change: c.2172-20_2172-17del on transcript NM_000834.5 (MANE Select); 20 bases into the intron before coding-DNA position 2172 through 17 bases into the intron before coding-DNA position 2172, 4 bases deleted (TTTG; older notation c.2172-20_2172-17delTTTG).
Molecular consequence: intron variant.
Genome position (GRCh38, 1-based): chr12:13,570,034-13,570,037, CAAA deleted on the plus strand (TTTG on the coding strand, the reverse complement: GRIN2B is on the minus strand); deleting any 4 consecutive bases within chr12:13,570,034-13,570,041 gives the same sequence; the c. name uses the placement nearest the transcript's 3' end. VCF-style (leftmost placement, unchanged base first): chr12-13570033-GCAAA-G. GRCh37 (hg19) VCF-style: chr12-13722967-GCAAA-G.
Other names: c.2172-20_2172-17delTTTG (NM_000834.3).
Identifiers: ClinVar variation 246125 (VCV000246125.5), dbSNP rs765274847, ClinGen allele CA6461102.

ClinVar aggregate classification (germline): Likely benign. Review status: criteria provided, multiple submitters, no conflicts (2 of 4 stars). 3 submissions from 3 submitters: Likely benign (3). Last evaluated 2025-10-10.

Conditions:
Intellectual developmental disorder, autosomal dominant 6, with or without seizures. Also called: Intellectual disability, autosomal dominant 6; GRIN2B-related developmental delay, intellectual disability and autism spectrum disorder. Identifiers: Orphanet 589547, MedGen C3151411, MONDO:0013509, OMIM 613970.
Developmental and epileptic encephalopathy, 27 (DEE27). Also called: Epileptic encephalopathy, early infantile, 27; GRIN2B-Related Neurodevelopmental Disorder. Identifiers: Orphanet 3451, MedGen C4015316, MONDO:0014505, OMIM 616139.

Submissions (3):

Labcorp Genetics (formerly Invitae), Labcorp
Classification: Likely benign for Developmental and epileptic encephalopathy, 27; Intellectual developmental disorder, autosomal dominant 6, with or without seizures. Last evaluated: 2025-10-10. Review status: criteria provided, single submitter. Criteria: Invitae Variant Classification Sherloc (09022015). Collection method: clinical testing. Allele origin: germline.

Blueprint Genetics
Classification: Likely benign. Last evaluated: 2023-07-11. Review status: criteria provided, single submitter. Criteria: ACMG Guidelines, 2015. Collection method: clinical testing. Allele origin: germline.

GeneDx
Classification: Likely benign. Last evaluated: 2015-11-18. Review status: criteria provided, single submitter. Criteria: GeneDx Variant Classification (06012015). Collection method: clinical testing. Allele origin: germline. Affected: yes.
Comment: This variant is considered likely benign or benign based on one or more of the following criteria: it is a conservative change, it occurs at a poorly conserved position in the protein, it is predicted to be benign by multiple in silico algorithms, and/or has population frequency not consistent with disease.